The following is an entry in ClinVar:

ClinVar aggregate classification (germline): Likely pathogenic (1 of 4 stars; one submission).

Conditions:
CDKL5 disorder. Identifiers: MedGen CN296942, MONDO:0100039.

Submission:

Centre for Population Genomics, CPG
Classification: Likely pathogenic for CDKL5 disorder. Last evaluated: 2024-09-19. Review status: criteria provided, single submitter. Criteria: McKnight et al. (Hum Mutat. 2022). Collection method: curation. Allele origin: germline. Inheritance: X-linked inheritance.
Comment: This variant has been collected from RettBASE and curated to current modified ACMG/AMP criteria. Based on the classification scheme defined by the ClinGen Rett/Angelman-like Expert Panel for Rett/AS-like Disorders Specifications to the ACMG/AMP Variant Interpretation Guidelines VCEP 3.0, this variant is classified as likely pathogenic. At least the following criteria are met: Predicted to result in loss of function, and LOF is a known mechanism of disease (PVS1). This variant is absent from gnomAD (PM2_Supporting). Has been observed in at least 1 individual with phenotypes consistent with CDKL5 disorder (PMID: 25657822).

NM_001323289.2(CDKL5):c.2420_2430del (p.Ser807fs)

Gene: CDKL5 (cyclin dependent kinase like 5; plus strand). Cytogenetic location: Xp22.13.
Variant type: Deletion.
Coding change: c.2420_2430del on transcript NM_001323289.2 (MANE Select); coding-DNA positions 2420 to 2430, 11 bases deleted (CCATTCATTCT).
Protein change: p.Ser807fs; shifts the reading frame from serine 807.
Molecular consequence: frameshift variant.
Genome position (GRCh38, 1-based): chrX:18,625,171-18,625,181, CCATTCATTCT deleted; deleting any 11 consecutive bases within chrX:18,625,170-18,625,181 gives the same sequence; the c. name uses the placement nearest the transcript's 3' end. VCF-style (leftmost placement, unchanged base first): chrX-18625169-ATCCATTCATTC-A. GRCh37 (hg19) VCF-style: chrX-18643289-ATCCATTCATTC-A.
Other names: NM_003159.3:c.2420_2430del; c.2420_2430del, p.Ser807fs (NM_001037343.2, NM_003159.3); short protein forms S807fs.
Identifiers: ClinVar variation 3344004 (VCV003344004.1).